The following is an entry in ClinVar:

ClinVar aggregate classification (germline): Uncertain significance (1 of 4 stars; one submission).

Submission:

GeneDx
Classification: Uncertain significance. Last evaluated: 2025-05-20. Review status: criteria provided, single submitter. Criteria: GeneDx Variant Classification Process June 2021. Collection method: clinical testing. Allele origin: germline. Affected: yes.
Comment: Not observed at significant frequency in large population cohorts (gnomAD); In silico analysis suggests that this missense variant does not alter protein structure/function; Has not been previously published as pathogenic or benign to our knowledge

NM_018834.6(MATR3):c.1604C>T (p.Ala535Val)

Gene: MATR3 (matrin 3; plus strand). Cytogenetic location: 5q31.2.
Variant type: single nucleotide variant.
Coding change: c.1604C>T on transcript NM_018834.6 (MANE Select); coding-DNA position 1604, C replaced by T.
Protein change: p.Ala535Val; replaces alanine 535 with valine.
Molecular consequence: missense variant.
Genome position (GRCh38, 1-based): chr5:139,321,899, C>T. VCF-style: chr5-139321899-C-T. GRCh37 (hg19) VCF-style: chr5-138657588-C-T.
Other names: c.1604C>T, p.Ala535Val (NM_001194954.2, NM_001194955.2, NM_001400441.1 and 16 more transcripts); c.740C>T, p.Ala247Val (NM_001194956.2); c.590C>T, p.Ala197Val (NM_001282278.2, NM_001400460.1, NM_001400462.1 and 5 more transcripts); c.743C>T, p.Ala248Val (NM_001400459.1); c.704C>T, p.Ala235Val (NM_001400461.1); short protein forms A197V, A235V, A247V, A248V, A535V.
Identifiers: ClinVar variation 4531137 (VCV004531137.1).
Genomic context (GRCh38, chr5:139,321,899, plus strand): 5'-GTTTTATACAATTTTGTAAAATATAATGTGCTTTGTGGTTTCTTTTCTTTCTTTTTAAGG[C>T]TTTTATTGAGATGGAGACAAGAGAAGATGCAATGGCAATGGTTGACCATTGTTTGAAAAA-3'
Protein context (NP_061322.2, residues 525-545): NYILMRMKSQ[Ala535Val]FIEMETREDA